The following is an entry in ClinVar:

ClinVar aggregate classification (germline): Uncertain significance (1 of 4 stars; one submission).

Conditions:
Tietz syndrome (TADS). Also called: ALBINISM-DEAFNESS OF TIETZ; HYPOPIGMENTATION/DEAFNESS OF TIETZ; TIETZ ALBINISM-DEAFNESS SYNDROME. Identifiers: Orphanet 42665, MedGen C0391816, MONDO:0007077, OMIM 103500.
Waardenburg syndrome type 2A (WS2A). Also called: WAARDENBURG SYNDROME WITHOUT DYSTOPIA CANTHORUM. Identifiers: Orphanet 3440, MedGen C1860339, MONDO:0008671, OMIM 193510.
Melanoma, cutaneous malignant, susceptibility to, 8. Also called: MELANOMA AND RENAL CELL CARCINOMA, SUSCEPTIBILITY TO; Cutaneous malignant melanoma 8. Identifiers: Orphanet 293822, MedGen C3152204, MONDO:0013759, OMIM 614456.

gnomAD v4.1: 1 of 1,613,554 alleles (0.000062%); highest among the groups gnomAD compares: South Asian, 0.0011%; no homozygotes.

Submission:

Labcorp Genetics (formerly Invitae), Labcorp
Classification: Uncertain significance for Melanoma, cutaneous malignant, susceptibility to, 8; Waardenburg syndrome type 2A; Tietz syndrome. Last evaluated: 2025-03-22. Review status: criteria provided, single submitter. Criteria: Invitae Variant Classification Sherloc (09022015). Collection method: clinical testing. Allele origin: germline.
Comment: This sequence change replaces glutamic acid, which is acidic and polar, with glutamine, which is neutral and polar, at codon 193 of the MITF protein (p.Glu193Gln). This variant is not present in population databases (gnomAD no frequency). This variant has not been reported in the literature in individuals affected with MITF-related conditions. Invitae Evidence Modeling of protein sequence and biophysical properties (such as structural, functional, and spatial information, amino acid conservation, physicochemical variation, residue mobility, and thermodynamic stability) has been performed for this missense variant. However, the output from this modeling did not meet the statistical confidence thresholds required to predict the impact of this variant on MITF protein function. Algorithms developed to predict the effect of sequence changes on RNA splicing suggest that this variant may create or strengthen a splice site. In summary, the available evidence is currently insufficient to determine the role of this variant in disease. Therefore, it has been classified as a Variant of Uncertain Significance.

NM_001354604.2(MITF):c.898G>C (p.Glu300Gln)

Gene: MITF (melanocyte inducing transcription factor; plus strand). Cytogenetic location: 3p13.
Variant type: single nucleotide variant.
Coding change: c.898G>C on transcript NM_001354604.2 (MANE Select); coding-DNA position 898, G replaced by C.
Protein change: p.Glu300Gln; replaces glutamic acid 300 with glutamine.
Molecular consequence: missense variant. On other transcripts: splice acceptor variant (9).
Genome position (GRCh38, 1-based): chr3:69,951,829, G>C. VCF-style: chr3-69951829-G-C. GRCh37 (hg19) VCF-style: chr3-70000980-G-C.
Other names: c.577G>C, p.Glu193Gln (NM_000248.4); c.895G>C, p.Glu299Gln (NM_001354605.2); c.830-1G>C (NM_001354607.2); c.725-1G>C (NM_001354608.2, NM_001184967.2); c.881-1G>C (NM_198159.3); c.878-1G>C (NM_001354606.2, NM_006722.3); c.833-1G>C (NM_198177.3); c.560-1G>C (NM_198158.3); and 1 more; short protein forms E193Q, E300Q, E299Q.
Identifiers: ClinVar variation 4782449 (VCV004782449.1).